The following is an entry in ClinVar:

ClinVar aggregate classification (germline): Uncertain significance. Review status: criteria provided, multiple submitters, no conflicts (2 of 4 stars). 2 submissions from 2 submitters: Uncertain significance (2). Last evaluated 2022-06-20.

Conditions:
Brachydactyly type A1. Also called: FARABEE-TYPE BRACHYDACTYLY; SHORT STATURE WITH NONSPECIFIC SKELETAL ABNORMALITIES 2. Identifiers: Orphanet 93388, MedGen C1862151, MONDO:0007215, OMIM 112500, HP:0009371.

gnomAD v4.1: 4 of 1,613,964 alleles (0.00025%); highest among the groups gnomAD compares: South Asian, 0.0044%; no homozygotes.

Submissions (2):

Labcorp Genetics (formerly Invitae), Labcorp
Classification: Uncertain significance. Last evaluated: 2022-06-20. Review status: criteria provided, single submitter. Criteria: Invitae Variant Classification Sherloc (09022015). Collection method: clinical testing. Allele origin: germline.
Comment: In summary, the available evidence is currently insufficient to determine the role of this variant in disease. Therefore, it has been classified as a Variant of Uncertain Significance. Algorithms developed to predict the effect of missense changes on protein structure and function (SIFT, PolyPhen-2, Align-GVGD) all suggest that this variant is likely to be tolerated. ClinVar contains an entry for this variant (Variation ID: 895224). This variant has not been reported in the literature in individuals affected with IHH-related conditions. This sequence change replaces arginine, which is basic and polar, with glycine, which is neutral and non-polar, at codon 267 of the IHH protein (p.Arg267Gly). This variant is present in population databases (no rsID available, gnomAD 0.003%).

Illumina Laboratory Services, Illumina
Classification: Uncertain significance for Brachydactyly type A1. Last evaluated: 2018-01-13. Review status: criteria provided, single submitter. Criteria: ICSL Variant Classification Criteria 13 December 2019. Collection method: clinical testing. Allele origin: germline.

NM_002181.4(IHH):c.799C>G (p.Arg267Gly)

Gene: IHH (Indian hedgehog signaling molecule; minus strand). Cytogenetic location: 2q35.
Variant type: single nucleotide variant.
Coding change: c.799C>G on transcript NM_002181.4 (MANE Select); coding-DNA position 799, C replaced by G.
Protein change: p.Arg267Gly; replaces arginine 267 with glycine.
Molecular consequence: missense variant.
Genome position (GRCh38, 1-based): chr2:219,055,644, G>C on the plus strand (C>G on the coding strand, the complement: IHH is on the minus strand). VCF-style: chr2-219055644-G-C. GRCh37 (hg19) VCF-style: chr2-219920366-G-C.
Other names: short protein forms R267G.
Identifiers: ClinVar variation 895224 (VCV000895224.8), dbSNP rs748379688, ClinGen allele CA350632045.